The following is an entry in ClinVar:

NC_000008.11:g.100471425G>A

Gene: VPS13B (vacuolar protein sorting 13 homolog B; plus strand). Cytogenetic location: 8q22.2.
Variant type: single nucleotide variant.
Genome position: GRCh38 VCF-style: chr8-100471425-G-A. GRCh37 (hg19) VCF-style: chr8-101483653-G-A.
Identifiers: ClinVar variation 4997940 (VCV004997940.1).

ClinVar aggregate classification (germline): Likely benign (1 of 4 stars; one submission).

Conditions:
VPS13B-related disorder. Also called: VPS13B-related condition.

Submission:

PreventionGenetics, part of Exact Sciences
Classification: Likely benign for VPS13B-related condition. Last evaluated: 2025-02-09. Review status: criteria provided, single submitter. Criteria: ACMG Guidelines, 2015. Collection method: clinical testing. Allele origin: germline.
Comment: This variant is classified as likely benign based on ACMG/AMP sequence variant interpretation guidelines (Richards et al. 2015 PMID: 25741868, with internal and published modifications).